The following is an entry in ClinVar:

ClinVar aggregate classification (germline): Uncertain significance (1 of 4 stars; one submission).

Conditions:
Combined immunodeficiency due to LRBA deficiency. Also called: Common variable immunodeficiency 8, with autoimmunity. Identifiers: Orphanet 445018, MedGen C3553512, MONDO:0013863, OMIM 614700.

Allele frequency attached by ClinVar (database versions not stated): gnomAD 0.00002.
gnomAD v4.1: 3 of 1,480,896 alleles (0.0002%); highest among the groups gnomAD compares: Admixed American, 0.004%; no homozygotes.

Submission:

Labcorp Genetics (formerly Invitae), Labcorp
Classification: Uncertain significance for Combined immunodeficiency due to LRBA deficiency. Last evaluated: 2025-05-21. Review status: criteria provided, single submitter. Criteria: Invitae Variant Classification Sherloc (09022015). Collection method: clinical testing. Allele origin: germline.
Comment: This sequence change falls in intron 44 of the LRBA gene. It does not directly change the encoded amino acid sequence of the LRBA protein. It affects a nucleotide within the consensus splice site. This variant is not present in population databases (gnomAD no frequency). This variant has not been reported in the literature in individuals affected with LRBA-related conditions. ClinVar contains an entry for this variant (Variation ID: 1375449). Variants that disrupt the consensus splice site are a relatively common cause of aberrant splicing (PMID: 17576681, 9536098). Algorithms developed to predict the effect of sequence changes on RNA splicing suggest that this variant is not likely to affect RNA splicing. In summary, the available evidence is currently insufficient to determine the role of this variant in disease. Therefore, it has been classified as a Variant of Uncertain Significance.

Literature cited by the submitters: PubMed 17576681; PubMed 9536098.

NM_001364905.1(LRBA):c.6667+4A>G

Gene: LRBA (LPS responsive beige-like anchor protein; minus strand). Cytogenetic location: 4q31.3.
Variant type: single nucleotide variant.
Coding change: c.6667+4A>G on transcript NM_001364905.1 (MANE Select); 4 bases into the intron after coding-DNA position 6667, A replaced by G.
Molecular consequence: intron variant.
Genome position (GRCh38, 1-based): chr4:150,471,620, T>C on the plus strand (A>G on the coding strand, the complement: LRBA is on the minus strand). VCF-style: chr4-150471620-T-C. GRCh37 (hg19) VCF-style: chr4-151392772-T-C.
Other names: c.6667+4A>G (NM_001367550.1, NM_001199282.3, NM_001440431.1); c.6700+4A>G (NM_006726.5, NM_001440430.1); c.370+4A>G (NM_001440432.1); c.364+4A>G (NM_001440433.1).
Identifiers: ClinVar variation 1375449 (VCV001375449.4), dbSNP rs1756140461, ClinGen allele CA1069424215.